The following is an entry in ClinVar:

NM_006514.4(SCN10A):c.950+5G>A

Gene: SCN10A (sodium voltage-gated channel alpha subunit 10; minus strand). Cytogenetic location: 3p22.2.
Variant type: single nucleotide variant.
Coding change: c.950+5G>A on transcript NM_006514.4 (MANE Select); 5 bases into the intron after coding-DNA position 950, G replaced by A.
Molecular consequence: intron variant.
Genome position (GRCh38, 1-based): chr3:38,760,676, C>T on the plus strand (G>A on the coding strand, the complement: SCN10A is on the minus strand). VCF-style: chr3-38760676-C-T. GRCh37 (hg19) VCF-style: chr3-38802167-C-T.
Other names: c.950+5G>A (NM_001293307.2, NM_001293306.2).
Identifiers: ClinVar variation 3316523 (VCV003316523.1).

ClinVar aggregate classification (germline): Uncertain significance (1 of 4 stars; one submission).

Conditions:
Cardiovascular phenotype. Identifiers: MedGen CN230736.

gnomAD v4.1: 15 of 1,612,698 alleles (0.00093%); highest among the groups gnomAD compares: Non-Finnish European, 0.0012%; no homozygotes.

Submission:

Ambry Genetics
Classification: Uncertain significance for Cardiovascular phenotype. Last evaluated: 2024-06-05. Review status: criteria provided, single submitter. Criteria: Ambry Variant Classification Scheme 2023. Collection method: clinical testing. Allele origin: germline.
Comment: The c.950+5G>A intronic variant results from a G to A substitution 5 nucleotides after coding exon 7 in the SCN10A gene. This nucleotide position is highly conserved in available vertebrate species. In silico splice site analysis predicts that this alteration will weaken the native splice donor site. The evidence for this gene-disease relationship is limited; therefore, the clinical significance of this alteration is unclear.